The following is an entry in ClinVar:

ClinVar aggregate classification (germline): Likely pathogenic (1 of 4 stars; one submission).

Submission:

Labcorp Genetics (formerly Invitae), Labcorp
Classification: Likely pathogenic. Last evaluated: 2025-12-03. Review status: criteria provided, single submitter. Criteria: Invitae Variant Classification Sherloc (09022015). Collection method: clinical testing. Allele origin: germline.
Comment: This variant results in the deletion of part of exon 79 (c.6489_6501+26del) of the COL7A1 gene. It is expected to disrupt splicing. Variants that disrupt the donor or acceptor splice site typically lead to a loss of protein function (PMID: 16199547), and loss-of-function variants in COL7A1 are known to be disease-causing for autosomal recessive dystrophic epidermolysis bullosa (PMID: 16971478). However, certain variants affecting donor or acceptor splice sites in the triple helical domain of COL7A1 are expected to result in in-frame exon skipping and have been reported to cause autosomal dominant dystrophic epidermolysis bullosa (PMID: 31670143). This variant is not present in population databases (gnomAD no frequency). This variant has not been reported in the literature in individuals affected with COL7A1-related conditions. In summary, the currently available evidence indicates that the variant is pathogenic, but additional data are needed to prove that conclusively. Therefore, this variant has been classified as Likely Pathogenic.

Literature cited by the submitters: PubMed 16199547; PubMed 16971478; PubMed 31670143.

NM_000094.4(COL7A1):c.6489_6501+26del

Gene: COL7A1 (collagen type VII alpha 1 chain; minus strand). Cytogenetic location: 3p21.31.
Variant type: Deletion.
Coding change: c.6489_6501+26del on transcript NM_000094.4 (MANE Select); coding-DNA position 6489 through 26 bases into the intron after coding-DNA position 6501, 39 bases deleted.
Molecular consequence: splice donor variant.
Genome position (GRCh38, 1-based): chr3:48,574,236-48,574,274, 39 bases deleted; deleting any 39 consecutive bases within chr3:48,574,236-48,574,278 gives the same sequence; the c. name uses the placement nearest the transcript's 3' end. GRCh37 (hg19): chr3:48,611,673-48,611,711.
Identifiers: ClinVar variation 4732131 (VCV004732131.1).
Genomic context (GRCh38, chr3:48,574,235, plus strand): 5'-ACACACACAGACATGCACACACACAGCAGCAGCAGCACCTAGCGGAGGGTCCGGAGCCTG[GGGCCAGGTGCTTCAGCCACCACTCACCGGCTTCCCTTCA>G]GGCCCAGCCATACCACGCTCTCCTGGTAGACCCTGCAGAGAATAGGTTTAAGGCCTTAGT-3'